The following is an entry in ClinVar:

NM_016222.4(DDX41):c.1047G>C (p.Met349Ile)

Gene: DDX41 (DEAD-box helicase 41; minus strand). Cytogenetic location: 5q35.3.
Variant type: single nucleotide variant.
Coding change: c.1047G>C on transcript NM_016222.4 (MANE Select); coding-DNA position 1047, G replaced by C.
Protein change: p.Met349Ile; replaces methionine 349 with isoleucine.
Molecular consequence: missense variant.
Genome position (GRCh38, 1-based): chr5:177,513,736, C>G on the plus strand (G>C on the coding strand, the complement: DDX41 is on the minus strand). VCF-style: chr5-177513736-C-G. GRCh37 (hg19) VCF-style: chr5-176940737-C-G.
Other names: c.669G>C, p.Met223Ile (NM_001321732.2, NM_001321830.2); short protein forms M223I, M349I.
Identifiers: ClinVar variation 4238765 (VCV004238765.1).
Genomic context (GRCh38, chr5:177,513,736, plus strand): 5'-GGGCGGCACCTTGAAGTAGGAGAAGATGGTACGGATGTCACCCTCGAAGCCCATGTCGAT[C>G]ATGCGGTCAGCCTCGTCCAGGGCCAGGTAGCGACAGATGTCTAGGCTGACCATCTTCTTC-3'
Protein context (NP_057306.2, residues 339-359): RYLALDEADR[Met349Ile]IDMGFEGDIR

ClinVar aggregate classification (germline): Uncertain significance (1 of 4 stars; one submission).

Conditions:
Inborn genetic diseases. Identifiers: MedGen C0950123, MeSH D030342.

Submission:

Ambry Genetics
Classification: Uncertain significance for Inborn genetic diseases. Last evaluated: 2025-07-29. Review status: criteria provided, single submitter. Criteria: Ambry Variant Classification Scheme 2023. Collection method: clinical testing. Allele origin: germline.
Comment: The p.M349I variant (also known as c.1047G>C), located in coding exon 10 of the DDX41 gene, results from a G to C substitution at nucleotide position 1047. The methionine at codon 349 is replaced by isoleucine, an amino acid with highly similar properties. This amino acid position is highly conserved in available vertebrate species. In addition, the in silico prediction for this alteration is inconclusive. Based on the available evidence, the clinical significance of this variant remains unclear.